The following is an entry in ClinVar:

ClinVar aggregate classification (germline): Uncertain significance (1 of 4 stars; one submission).

Submission:

Labcorp Genetics (formerly Invitae), Labcorp
Classification: Uncertain significance. Last evaluated: 2020-02-18. Review status: criteria provided, single submitter. Criteria: Invitae Variant Classification Sherloc (09022015). Collection method: clinical testing. Allele origin: germline.
Comment: This variant has not been reported in the literature in individuals with MERTK-related conditions. In summary, the available evidence is currently insufficient to determine the role of this variant in disease. Therefore, it has been classified as a Variant of Uncertain Significance. Algorithms developed to predict the effect of missense changes on protein structure and function are either unavailable or do not agree on the potential impact of this missense change (SIFT: "Deleterious"; PolyPhen-2: "Benign"; Align-GVGD: "Class C45"). This variant is not present in population databases (ExAC no frequency). This sequence change replaces valine with glutamic acid at codon 425 of the MERTK protein (p.Val425Glu). The valine residue is highly conserved and there is a moderate physicochemical difference between valine and glutamic acid.

NM_006343.3(MERTK):c.1274T>A (p.Val425Glu)

Gene: MERTK (MER proto-oncogene, tyrosine kinase; plus strand). Cytogenetic location: 2q13.
Variant type: single nucleotide variant.
Coding change: c.1274T>A on transcript NM_006343.3 (MANE Select); coding-DNA position 1274, T replaced by A.
Protein change: p.Val425Glu; replaces valine 425 with glutamic acid.
Molecular consequence: missense variant.
Genome position (GRCh38, 1-based): chr2:111,982,971, T>A. VCF-style: chr2-111982971-T-A. GRCh37 (hg19) VCF-style: chr2-112740548-T-A.
Other names: short protein forms V425E.
Identifiers: ClinVar variation 1003494 (VCV001003494.9), dbSNP rs1211908818, ClinGen allele CA348235840.